The following is an entry in ClinVar:

NM_000059.4(BRCA2):c.8775G>C (p.Gln2925His)

Gene: BRCA2 (BRCA2 DNA repair associated; plus strand). Cytogenetic location: 13q13.1.
Variant type: single nucleotide variant.
Coding change: c.8775G>C on transcript NM_000059.4 (MANE Select); coding-DNA position 8775, G replaced by C.
Protein change: p.Gln2925His; replaces glutamine 2925 with histidine.
Molecular consequence: missense variant.
Genome position (GRCh38, 1-based): chr13:32,379,337, G>C. VCF-style: chr13-32379337-G-C. GRCh37 (hg19) VCF-style: chr13-32953474-G-C.
Other names: 9003G>C; short protein forms Q2925H.
Identifiers: ClinVar variation 52678 (VCV000052678.68), dbSNP rs80359136, ClinGen allele CA025824.
Genomic context (GRCh38, chr13:32,379,337, plus strand): 5'-TTCTGATTGCTTTTTATTCCAATATCTTAAATGGTCACAGGGTTATTTCAGTGAAGAGCA[G>C]TTAAGAGCCTTGAATAATCACAGGCAAATGTTGAATGATAAGAAACAAGCTCAGATCCAG-3'
Protein context (NP_000050.3, residues 2915-2935): AYLEGYFSEE[Gln2925His]LRALNNHRQM

ClinVar aggregate classification (germline): Conflicting classifications of pathogenicity. Review status: criteria provided, conflicting classifications (1 of 4 stars). 13 submissions from 13 submitters: Uncertain significance (10); Likely benign (1). 2 of the submissions do not count toward it. Last evaluated 2026-07-24.

Conditions:
Hereditary cancer-predisposing syndrome. Also called: Hereditary Cancer Syndrome; Tumor predisposition; Neoplastic Syndromes, Hereditary; Hereditary neoplastic syndrome. Identifiers: Orphanet 140162, MedGen C0027672, MeSH D009386, MONDO:0015356.
Breast-ovarian cancer, familial, susceptibility to, 2 (BROVCA2). Also called: BRCA2 Hereditary Breast and Ovarian Cancer. Identifiers: Orphanet 145, MedGen C2675520, MONDO:0012933, OMIM 612555. Disease mechanism: loss of function.
Familial cancer of breast. Also called: BREAST CANCER, FAMILIAL; hereditary breast carcinoma; Hereditary breast cancer. Identifiers: Orphanet 227535, MedGen C0346153, MONDO:0016419, OMIM 114480. Disease mechanism: loss of function.
Hereditary breast ovarian cancer syndrome. Also called: Breast and ovarian cancer; BRCA1- and BRCA2-Associated Hereditary Breast and Ovarian Cancer; Hereditary breast and ovarian cancer; Hereditary breast and ovarian cancer syndrome (HBOC); Hereditary breast and ovarian cancer syndrome; Hereditary breast and/or ovarian cancer syndrome. Identifiers: Orphanet 145, MedGen C0677776, MeSH D061325, MONDO:0003582. Disease mechanism: loss of function.

Allele frequency attached by ClinVar (database versions not stated): gnomAD exomes 0.00001.
gnomAD v4.1: 3 of 1,613,776 alleles (0.00019%); highest among the groups gnomAD compares: Non-Finnish European, 0.00025%; no homozygotes.

Submissions (13):

Institut für angewandte Humangenetik und Onkogenetik Professor Froster
Classification: Uncertain significance for Breast-ovarian cancer, familial, susceptibility to, 2. Last evaluated: 2026-07-24. Review status: criteria provided, single submitter. Criteria: ACMG Guidelines, 2015. Collection method: clinical testing. Allele origin: germline. Affected: yes. Observed: 1 variant allele.
Comment: This missense variant results in a substitution of gltumain with histidine at codon 2925 of the BRCA2 protein. Computational prediction is inconclusive (REVEL: 0.47, PolyPhen-2: 0.993, BayesDel_noAF: -0.04). The variant is present at a frequency of 8.8e-6 in the population database (gnomAD v2.1.1). In the literatur this variant has been reported as VUS in a individual of the cohort, however information wether the patient was affected by breast cancer is missing (PMID: 30675319). Furthermore, it has been reported in individuals with breast cancer (PMID: 28202063, PMID: 31706072). No functional studies evaluating the impact of this variant have been reported. Segregation analysis could not be performed. The currently available evidence does not suffice to conclusively determine the role of this variant in disease, therefore, it is classified as a Variant of Uncertain Significance (PM2_SUP)

Women's Health and Genetics/Laboratory Corporation of America, LabCorp
Classification: Uncertain significance. Last evaluated: 2026-03-18. Review status: criteria provided, single submitter. Criteria: LabCorp Variant Classification Summary - May 2015. Collection method: clinical testing. Allele origin: germline.
Comment: Variant summary: BRCA2 c.8775G>C (p.Gln2925His) results in a non-conservative amino acid change in the encoded protein sequence. Algorithms developed to predict the effect of missense changes on protein structure and function are either unavailable or do not agree on the potential impact of this missense change. The variant allele was found at a frequency of 4e-06 in 250674 control chromosomes (gnomAD). The available data on variant occurrences in the general population are insufficient to allow any conclusion about variant significance. c.8775G>C has been observed in individuals affected with breast cancer or pancreatic cancer without strong evidence of causality (e.g. Grant_2015, Jalkh_2017, Cecener_2020). These reports do not provide unequivocal conclusions about association of the variant with Hereditary Breast And Ovarian Cancer Syndrome. To our knowledge, no experimental evidence demonstrating an impact on protein function has been reported. The following publications have been ascertained in the context of this evaluation (PMID: 28202063, 25479140, 31706072). ClinVar contains an entry for this variant (Variation ID: 52678). Based on the evidence outlined above, the variant was classified as uncertain significance.

Labcorp Genetics (formerly Invitae), Labcorp
Classification: Uncertain significance for Hereditary breast ovarian cancer syndrome. Last evaluated: 2025-11-14. Review status: criteria provided, single submitter. Criteria: Invitae Variant Classification Sherloc (09022015). Collection method: clinical testing. Allele origin: germline.
Comment: This sequence change replaces glutamine, which is neutral and polar, with histidine, which is basic and polar, at codon 2925 of the BRCA2 protein (p.Gln2925His). This variant is present in population databases (rs80359136, gnomAD 0.0009%). This missense change has been observed in individual(s) with breast and/or ovarian cancer or pancreatic cancer (PMID: 25479140, 28202063, 31706072). ClinVar contains an entry for this variant (Variation ID: 52678). Invitae Evidence Modeling of protein sequence and biophysical properties (such as structural, functional, and spatial information, amino acid conservation, physicochemical variation, residue mobility, and thermodynamic stability) indicates that this missense variant is not expected to disrupt BRCA2 protein function with a negative predictive value of 95%. Experimental studies have shown that this missense change does not substantially affect BRCA2 function (PMID: 29394989). In summary, the available evidence is currently insufficient to determine the role of this variant in disease. Therefore, it has been classified as a Variant of Uncertain Significance.

Quest Diagnostics Nichols Institute San Juan Capistrano
Classification: Uncertain significance. Last evaluated: 2025-03-14. Review status: criteria provided, single submitter. Criteria: Quest Diagnostics criteria. Collection method: clinical testing. Allele origin: unknown.
Comment: The BRCA2 c.8775G>C (p.Gln2925His) variant has been reported in the published literature in individuals with pancreatic cancer (PMID: 25479140 (2015)), and breast cancer (PMID: 28202063 (2017), 31706072 (2020)). In a large scale breast cancer association study, this variant has been observed in a reportedly healthy individual (PMID: 33471991 (2021), see also LOVD). Published functional studies conflict on whether this variant is damaging to protein function (PMID: 39779848 (2025), 32444794 (2020), 29394989 (2018)). The frequency of this variant in the general population (Genome Aggregation Database) is uninformative in the assessment of its pathogenicity. Analysis of this variant using bioinformatics tools for the prediction of the effect of amino acid changes on protein structure and function yielded conflicting predictions that this variant is benign or damaging. Based on the available information, we are unable to determine the clinical significance of this variant.

CeGaT Center for Human Genetics Tuebingen
Classification: Uncertain significance. Last evaluated: 2024-09-01. Review status: criteria provided, single submitter. Criteria: CeGaT Center For Human Genetics Tuebingen Variant Classification Criteria Version 2. Collection method: clinical testing. Allele origin: germline. Affected: yes. Observed: 4 variant alleles.
Comment: BRCA2: PM2, PS4:Moderate, BP1, BP4, BS3:Supporting

All of Us Research Program, National Institutes of Health
Classification: Uncertain significance for Breast-ovarian cancer, familial, susceptibility to, 2. Last evaluated: 2023-10-02. Review status: criteria provided, single submitter. Criteria: ACMG Guidelines, 2015. Collection method: clinical testing. Allele origin: germline. Inheritance: Autosomal dominant inheritance. Observed: 1 variant allele, 1 heterozygote.
Comment: This study involves interpretation of variants in research participants for the purpose of population health screening. Participant phenotype was not available at the time of variant classification. Additional details can be found in publication PMID: 35346344, PMCID: PMC8962531

GeneDx
Classification: Uncertain significance. Last evaluated: 2022-07-28. Review status: criteria provided, single submitter. Criteria: GeneDx Variant Classification Process June 2021. Collection method: clinical testing. Allele origin: germline. Affected: yes.
Comment: Not observed at significant frequency in large population cohorts (gnomAD); In silico analysis supports that this missense variant does not alter protein structure/function; Published functional studies are inconclusive: homology directed DNA repair activity in both the indeterminate and benign ranges (Guidugli et al., 2018; Hart et al., 2019); Also known as 9003G>C; This variant is associated with the following publications: (PMID: 19043619, 29394989, 31706072, 28202063, 30675319, 25479140, 29884841, 12228710)

Institute for Clinical Genetics, University Hospital TU Dresden, University Hospital TU Dresden
Classification: Uncertain significance. Last evaluated: 2021-11-03. Review status: criteria provided, single submitter. Criteria: ACMG Guidelines, 2015. Collection method: clinical testing. Allele origin: germline.

Department of Pathology and Laboratory Medicine, Sinai Health System
Classification: Uncertain significance for Familial cancer of breast; Breast-ovarian cancer, familial, susceptibility to, 2. Last evaluated: 2019-12-23. Review status: criteria provided, single submitter. Criteria: ACMG Guidelines, 2015. Collection method: clinical testing. Allele origin: germline. Affected: yes.

Ambry Genetics
Classification: Likely benign for Hereditary cancer-predisposing syndrome. Last evaluated: 2019-12-06. Review status: criteria provided, single submitter. Criteria: Ambry Variant Classification Scheme 2023. Collection method: clinical testing. Allele origin: germline.

Color Diagnostics, LLC DBA Color Health
Classification: Uncertain significance for Hereditary cancer-predisposing syndrome. Last evaluated: 2019-05-04. Review status: criteria provided, single submitter. Criteria: ACMG Guidelines, 2015. Collection method: clinical testing. Allele origin: germline.

Sharing Clinical Reports Project (SCRP)
Classification: Uncertain significance for Breast-ovarian cancer, familial 2. Last evaluated: 2012-05-21. Review status: no assertion criteria provided. Collection method: clinical testing. Allele origin: germline. Not counted in ClinVar's aggregate classification.

Breast Cancer Information Core (BIC) (BRCA2)
Classification: Uncertain significance for Breast-ovarian cancer, familial 2. Last evaluated: 2004-02-20. Review status: no assertion criteria provided. Collection method: clinical testing. Allele origin: germline. Affected: yes. Observed: 1 variant allele. Not counted in ClinVar's aggregate classification.

Literature cited by the submitters: PubMed 30675319 (cited by 4 submitters); PubMed 28202063 (cited by 6 submitters); PubMed 31706072 (cited by 5 submitters); PubMed 25479140 (cited by 3 submitters); PubMed 29394989 (cited by 4 submitters); PubMed 19043619 (cited by Quest Diagnostics Nichols Institute San Juan Capistrano and Ambry Genetics); PubMed 32444794 (cited by Quest Diagnostics Nichols Institute San Juan Capistrano); PubMed 39779848 (cited by Quest Diagnostics Nichols Institute San Juan Capistrano); PubMed 34741701 (cited by Quest Diagnostics Nichols Institute San Juan Capistrano); PubMed 33471991 (cited by Quest Diagnostics Nichols Institute San Juan Capistrano).